The following is an entry in ClinVar:

ClinVar aggregate classification (germline): Uncertain significance (1 of 4 stars; one submission).

Submission:

Women's Health and Genetics/Laboratory Corporation of America, LabCorp
Classification: Uncertain significance. Last evaluated: 2024-05-21. Review status: criteria provided, single submitter. Criteria: LabCorp Variant Classification Summary - May 2015. Collection method: clinical testing. Allele origin: germline.
Comment: Variant summary: The variant involves a full gene duplication of exons 1-4 in the TUBB6 gene. A presumed nomenclature of c.(?_-53)_(*487_?)dup has been designated for the purposes of this classification. This duplication includes the entire coding sequence of the gene. As exact breakpoints are unknown, it may extend beyond the annotated region of the gene, to include other flanking genes. The variant was absent in 21670 control chromosomes (gnomAD Structural Variants Dataset). The available data on variant occurrences in the general population are insufficient to allow any conclusion about variant significance. To our knowledge, no occurrence of c.(?_-53)_(*487_?)dup in individuals affected with Facial Palsy, Congenital, With Ptosis And Velopharyngeal Dysfunction and no experimental evidence demonstrating its impact on protein function have been reported. No submitters have cited clinical-significance assessments for this variant to ClinVar. Based on the evidence outlined above, the variant was classified as uncertain significance.

NC_000018.9:g.(?_12308239)_(12326616_?)dup

Gene: TUBB6 (tubulin beta 6 class V; plus strand). Cytogenetic location: 18p11.21.
Variant type: Duplication.
Identifiers: ClinVar variation 3336477 (VCV003336477.1).